The following is an entry in ClinVar:

ClinVar aggregate classification (germline): Uncertain significance (1 of 4 stars; one submission).

Conditions:
Charcot-Marie-Tooth disease axonal type 2C (HMSN2C). Also called: CHARCOT-MARIE-TOOTH DISEASE, AXONAL, AUTOSOMAL DOMINANT, TYPE 2C; Charcot-Marie-Tooth Neuropathy Type 2C; Charcot-Marie-Tooth Disease Type 2, TRPV4-Related (CMT2C). Identifiers: Orphanet 99937, MedGen C1853710, MONDO:0011633, OMIM 606071.

Allele frequency attached by ClinVar (database versions not stated): gnomAD exomes 0.00001; TOPMed below 0.00001; ExAC 0.00002.
gnomAD v4.1: 8 of 1,614,066 alleles (0.0005%); highest among the groups gnomAD compares: South Asian, 0.0066%; no homozygotes.

Submission:

Labcorp Genetics (formerly Invitae), Labcorp
Classification: Uncertain significance for Charcot-Marie-Tooth disease axonal type 2C. Last evaluated: 2022-10-27. Review status: criteria provided, single submitter. Criteria: Invitae Variant Classification Sherloc (09022015). Collection method: clinical testing. Allele origin: germline.
Comment: Advanced modeling of protein sequence and biophysical properties (such as structural, functional, and spatial information, amino acid conservation, physicochemical variation, residue mobility, and thermodynamic stability) performed at Invitae indicates that this missense variant is not expected to disrupt TRPV4 protein function. In summary, the available evidence is currently insufficient to determine the role of this variant in disease. Therefore, it has been classified as a Variant of Uncertain Significance. This sequence change replaces tyrosine, which is neutral and polar, with phenylalanine, which is neutral and non-polar, at codon 439 of the TRPV4 protein (p.Tyr439Phe). This variant is present in population databases (rs772798429, gnomAD 0.01%). This variant has not been reported in the literature in individuals affected with TRPV4-related conditions.

NM_021625.5(TRPV4):c.1316A>T (p.Tyr439Phe)

Gene: TRPV4 (transient receptor potential cation channel subfamily V member 4; minus strand). Cytogenetic location: 12q24.11.
Variant type: single nucleotide variant.
Coding change: c.1316A>T on transcript NM_021625.5 (MANE Select); coding-DNA position 1316, A replaced by T.
Protein change: p.Tyr439Phe; replaces tyrosine 439 with phenylalanine.
Molecular consequence: missense variant. On other transcripts: intron variant (2).
Genome position (GRCh38, 1-based): chr12:109,796,541, T>A on the plus strand (A>T on the coding strand, the complement: TRPV4 is on the minus strand). VCF-style: chr12-109796541-T-A. GRCh37 (hg19) VCF-style: chr12-110234346-T-A.
Other names: c.1175A>T, p.Tyr392Phe (NM_001177428.2); c.1214A>T, p.Tyr405Phe (NM_001177431.2); c.1012-2054A>T (NM_001177433.1); c.1153-2054A>T (NM_147204.2); short protein forms Y405F, Y439F, Y392F.
Identifiers: ClinVar variation 2898257 (VCV002898257.3), dbSNP rs772798429, ClinGen allele CA6780292.
Genomic context (GRCh38, chr12:109,796,541, plus strand): 5'-CTGCCCCTCCTTCCTCACACCCCATGCCCCCTCCTGGAGCCCACCTCAATCTTGCTGTTG[T>A]ACACCAGGATCTCCAGCACGGAGGCCTCTTCCCCACACGTGTCCAGGGAGGAGAGGTCAT-3'
Protein context (NP_067638.3, residues 429-449): EEASVLEILV[Tyr439Phe]NSKIENRHEM